The following continues an entry in ClinVar:

NM_000035.4(ALDOB):c.448G>C (p.Ala150Pro)

Gene: ALDOB. ClinVar aggregate classification (germline): Pathogenic/Likely pathogenic. Pathogenic (40); Likely pathogenic (1).

Submissions 12 to 30 of 50:

Revvity Omics, Revvity
Classification: Pathogenic for Hereditary fructosuria. Last evaluated: 2025-05-22. Review status: criteria provided, single submitter. Criteria: ACMG Guidelines, 2015. Collection method: clinical testing. Allele origin: germline.

Laboratory of Genetics, Children's Clinical University Hospital Latvia
Classification: Pathogenic. Last evaluated: 2025-02-16. Review status: criteria provided, single submitter. Criteria: ACMG Guidelines, 2015. Collection method: clinical testing. Allele origin: germline. Affected: yes.

Blueprint Genetics
Classification: Pathogenic for ALDOB-related disorders. Last evaluated: 2024-11-21. Review status: criteria provided, single submitter. Criteria: ACMG Guidelines, 2015. Collection method: clinical testing. Allele origin: germline. Affected: yes. Observed: 5 variant alleles.

ARUP Laboratories, Molecular Genetics and Genomics, ARUP Laboratories
Classification: Pathogenic for Hereditary fructosuria. Last evaluated: 2024-09-23. Review status: criteria provided, single submitter. Criteria: ARUP Molecular Germline Variant Investigation Process 2024. Collection method: clinical testing. Allele origin: germline.
Comment: The ALDOB c.448G>C; p.Ala150Pro variant, also reported as Ala149Pro (rs1800546; ClinVar Variation ID: 464), is one of the most common pathogenic ALDOB variants and has been identified in numerous affected individuals both as a homozygote and in trans with other pathogenic ALDOB variants (Cross 1988, Davit-Spraul 2008, Ferri 2012, Li 2018, Valadares 2015). This variant is found in the general population with an overall allele frequency of 0.3% (874/282,528 alleles) in the Genome Aggregation Database. Computational analyses predict that this variant is deleterious (REVEL: 0.701). Functional studies demonstrate that this variant causes protein instability and loss of enzymatic activity (Esposito 2002, Malay 2002, Malay 2005). Based on the available information, the p.Ala150Pro variant is considered to be pathogenic. References: Cross NC et al. Catalytic deficiency of human aldolase B in hereditary fructose intolerance caused by a common missense mutation. Cell. 1988;53(6):881-885. PMID: 3383242. Davit-Spraul A et al. Hereditary fructose intolerance: frequency and spectrum mutations of the aldolase B gene in a large patients cohort from France--identification of eight new mutations. Mol Genet Metab. 2008;94(4):443-447. PMID: 18541450. Esposito G et al. Structural and functional analysis of aldolase B mutants related to hereditary fructose intolerance. FEBS Lett. 2002;531(2):152-156. PMID: 12417303. Ferri L et al. Integration of PCR-Sequencing Analysis with Multiplex Ligation-Dependent Probe Amplification for Diagnosis of Hereditary Fructose Intolerance. JIMD Rep. 2012;6:31-37. PMID: 23430936 Li H et al. Acute liver failure in neonates with undiagnosed hereditary fructose intolerance due to exposure from widely available infant formulas. Mol Genet Metab. 2018;123(4):428-432. PMID: 29510902. Malay AD et al. Structure of the thermolabile mutant aldolase B, A149P: molecular basis of hereditary fructose intolerance. J Mol Biol. 2005;347(1):135-144. PMID: 15733923. Malay AD et al. The temperature dependence of activity and structure for the most prevalent mutant aldolase B associated with hereditary fructose intolerance. Arch Biochem Biophys. 2002;408(2):295-304. PMID: 12464284. Valadares ER et al. Hereditary fructose intolerance in Brazilian patients. Mol Genet Metab Rep. 2015;4:35-38. PMID: 26937407.

Genomic Medicine Center of Excellence, King Faisal Specialist Hospital and Research Centre
Classification: Likely pathogenic for Hereditary fructosuria. Last evaluated: 2024-03-26. Review status: criteria provided, single submitter. Criteria: ACMG Guidelines, 2015. Collection method: clinical testing. Allele origin: germline.

Department of Pathology and Laboratory Medicine, Sinai Health System
Classification: Pathogenic for Hereditary fructosuria. Last evaluated: 2023-10-04. Review status: criteria provided, single submitter. Criteria: ACMG Guidelines, 2015. Collection method: research. Allele origin: germline.

Mayo Clinic Laboratories, Mayo Clinic
Classification: Pathogenic. Last evaluated: 2023-09-29. Review status: criteria provided, single submitter. Criteria: ACMG Guidelines, 2015. Collection method: clinical testing. Allele origin: germline.
Comment: PP4, PS3, PS4

Clinical Genetics Laboratory, Skane University Hospital Lund
Classification: Pathogenic. Last evaluated: 2023-06-27. Review status: criteria provided, single submitter. Criteria: ACMG Guidelines, 2015. Collection method: clinical testing. Allele origin: germline. Affected: yes.

Laboratory of Medical Genetics, National & Kapodistrian University of Athens
Classification: Pathogenic for Hereditary fructosuria. Last evaluated: 2023-05-02. Review status: criteria provided, single submitter. Criteria: ACMG Guidelines, 2015. Collection method: clinical testing. Allele origin: germline. Affected: yes.
Comment: PS3, PM2, PP2, PP3, PP4, PP5

Laboratory for Molecular Medicine, Mass General Brigham Personalized Medicine
Classification: Pathogenic for Hereditary fructosuria. Last evaluated: 2022-06-30. Review status: criteria provided, single submitter. Criteria: ACMG Guidelines, 2015. Collection method: clinical testing. Allele origin: germline. Inheritance: Autosomal recessive inheritance.
Comment: The p.Ala150Pro variant in ALDOB (frequently referred to as p.Ala149Pro) is the most common hereditary fructose intolerance (HFI) allele, accounting for approximately half of HFI alleles identified worldwide (Cross and Cox 1989 PMID: 3383242, Malay 2005 PMID: 15733923). In vitro functional studies also provide evidence that the p.Ala150Pro variant impacts protein function (Esposito 2002 PMID: 12417303, Malay 2002 PMID: 12464284, Malay 2005 PMID: 15733923). This variant has been identified in 0.47% (604/126366) of European chromosomes by the Genome Aggregation Database (gnomAD; dbSNP rs1800546). Although it has been seen in the general population, its frequency is low enough to be consistent with a recessive carrier frequency. In summary, this variant meets criteria to be classified as pathogenic for HFI in an autosomal recessive manner based upon functional evidence and biallelic occurrence in affected individuals. ACMG/AMP Criteria applied: PM3_Very Strong, PS4_Moderate, PS3_Supporting.

Mendelics
Classification: Pathogenic for Hereditary fructosuria. Last evaluated: 2022-05-04. Review status: criteria provided, single submitter. Criteria: Mendelics Assertion Criteria 2019. Collection method: clinical testing. Allele origin: germline.

Laboratorio de Genetica e Diagnostico Molecular, Hospital Israelita Albert Einstein
Classification: Pathogenic. Last evaluated: 2022-03-28. Review status: criteria provided, single submitter. Criteria: ACMG Guidelines, 2015. Collection method: clinical testing. Allele origin: germline. Affected: yes.
Comment: ACMG classification criteria: PS3, PM3, PP3

GeneDx
Classification: Pathogenic. Last evaluated: 2022-03-22. Review status: criteria provided, single submitter. Criteria: GeneDx Variant Classification Process June 2021. Collection method: clinical testing. Allele origin: germline. Affected: yes.
Comment: Reported as the most common ALDOB pathogenic variant among individuals of European ancestry (Santer et al., 2005); Published functional studies demonstrate A150P decreases substrate affinity and enzyme stability and results in loss of thermostability and significantly lower activity than wild type protein (Esposito et al., 2002; Malay et al., 2002); X-ray crystallography shows extensive structural perturbation at the site of the substitution and in the adjacent loop regions (Malay et al., 2005); In silico analysis, which includes protein predictors and evolutionary conservation, supports a deleterious effect; This variant is associated with the following publications: (PMID: 12464284, 15733923, 19768653, 29510902, 27797444, 15880727, 12417303, 3383242, 25333069, 22975760, 18541450, 26937407, 29984853, 31589614, 30609409, 22773061, 31980526, 8096362, 34440436, 34426522)

Provincial Medical Genetics Program of British Columbia, University of British Columbia
Classification: Pathogenic for Hereditary fructosuria. Last evaluated: 2022-01-01. Review status: criteria provided, single submitter. Criteria: ACMG Guidelines, 2015. Collection method: clinical testing. Allele origin: germline. Affected: yes.

Ambry Genetics
Classification: Pathogenic for Inborn genetic diseases. Last evaluated: 2021-11-24. Review status: criteria provided, single submitter. Criteria: Ambry Variant Classification Scheme 2023. Collection method: clinical testing. Allele origin: germline.
Comment: The c.448G>C (p.A150P) alteration is located in exon 5 (coding exon 4) of the ALDOB gene. This alteration results from a G to C substitution at nucleotide position 448, causing the alanine (A) at amino acid position 150 to be replaced by a proline (P). Based on data from gnomAD, the C allele has an overall frequency of 0.31% (874/282528) total alleles studied. The highest observed frequency was 0.49% (627/128866) of European (non-Finnish) alleles. This mutation (also referred to as A149P) has been reported in the homozygous and compound heterozygous states in many affected patients, and is the most frequent ALDOB mutation with a frequency of up to 64% in various cohorts of patients with hereditary fructose intolerance (Cross, 1988; Santer, 2005; Davit-Spraul, 2008; Coffee, 2010). This amino acid position is not well conserved in available vertebrate species. In vitro functional studies show that protein with the p.A150P mutation demonstrates temperature-dependent structural changes and decreased enzyme activity compared to wild type protein (Esposito, 2002; Malay, 2002). This alteration is predicted to be deleterious by in silico analysis. Based on the available evidence, this alteration is classified as pathogenic.

Genome-Nilou Lab
Classification: Pathogenic for Hereditary fructosuria. Last evaluated: 2021-07-22. Review status: criteria provided, single submitter. Criteria: ACMG Guidelines, 2015. Collection method: clinical testing. Allele origin: germline. Affected: no.

Greenwood Genetic Center Diagnostic Laboratories, Greenwood Genetic Center
Classification: Pathogenic for Hereditary fructosuria. Last evaluated: 2021-07-16. Review status: criteria provided, single submitter. Criteria: ACMG Guidelines, 2015. Collection method: clinical testing. Allele origin: germline. Affected: yes.
Comment: PS3, PP1, PP3, PM2, PM3

New York Genome Center
Classification: Pathogenic for Hereditary fructosuria. Last evaluated: 2020-04-30. Review status: criteria provided, single submitter. Criteria: NYGC Assertion Criteria 2020. Collection method: clinical testing. Allele origin: germline. Observed: 1 heterozygote. Study: CSER-NYCKidSeq.

Elsea Laboratory, Baylor College of Medicine
Classification: Pathogenic for Hereditary fructosuria. Last evaluated: 2020-04-01. Review status: criteria provided, single submitter. Criteria: ACMG Guidelines, 2015. Collection method: clinical testing. Allele origin: germline. Affected: no and yes.